The following is an entry in ClinVar:

ClinVar aggregate classification (germline): Uncertain significance (1 of 4 stars; one submission).

Conditions:
Tuberous sclerosis 1 (TSC1). Identifiers: Orphanet 805, MedGen C1854465, MONDO:0008612, OMIM 191100.

Submission:

Labcorp Genetics (formerly Invitae), Labcorp
Classification: Uncertain significance for Tuberous sclerosis 1. Last evaluated: 2023-12-28. Review status: criteria provided, single submitter. Criteria: Invitae Variant Classification Sherloc (09022015). Collection method: clinical testing. Allele origin: unknown.
Comment: This variant results in a copy number gain of the genomic region encompassing exon(s) 1-4 of the TSC1 gene. This region includes the initiator codon of the gene. This copy number gain extends beyond the assayed region for this gene and therefore may encompass additional genes. As the precise location of this event is unknown, it may be in tandem or it may be located elsewhere in the genome. This variant has not been reported in the literature in individuals affected with TSC1-related conditions. Experimental studies and prediction algorithms are not available or were not evaluated, and the functional significance of this variant is currently unknown. In summary, the available evidence is currently insufficient to determine the role of this variant in disease. Therefore, it has been classified as a Variant of Uncertain Significance.

NC_000009.11:g.(?_135802568)_(135820530_?)dup

Gene: TSC1 (TSC complex subunit 1; minus strand). Cytogenetic location: 9q34.13.
Variant type: Duplication.
Identifiers: ClinVar variation 3245194 (VCV003245194.1).